The following is an entry in ClinVar:

ClinVar aggregate classification (germline): Benign/Likely benign. Review status: criteria provided, multiple submitters, no conflicts (2 of 4 stars). 5 submissions from 5 submitters: Benign (3); Likely benign (1). 1 of the submissions does not count toward it. Last evaluated 2025-12-16.

Conditions:
Bohring-Opitz syndrome. Also called: ASXL1-Related Bohring-Opitz Syndrome; C-LIKE SYNDROME; BOHRING SYNDROME; OPITZ TRIGONOCEPHALY-LIKE SYNDROME. Identifiers: Orphanet 97297, MedGen C0796232, MONDO:0011510, OMIM 605039.
ASXL1-related disorder. Also called: ASXL1-related condition; ASXL1-related disorders.
Inborn genetic diseases. Identifiers: MedGen C0950123, MeSH D030342.

Allele frequency attached by ClinVar (database versions not stated): gnomAD 0.00002 and 0.00003; ExAC 0.00005; gnomAD exomes 0.00008 and 0.00012; TOPMed 0.00013.
gnomAD v4.1: 50 of 1,613,992 alleles (0.0031%); highest among the groups gnomAD compares: Admixed American, 0.075%; 1 homozygote.

Submissions (5):

Labcorp Genetics (formerly Invitae), Labcorp
Classification: Benign. Last evaluated: 2025-12-16. Review status: criteria provided, single submitter. Criteria: Invitae Variant Classification Sherloc (09022015). Collection method: clinical testing. Allele origin: germline.

Ambry Genetics
Classification: Likely benign for Inborn genetic diseases. Last evaluated: 2024-10-29. Review status: criteria provided, single submitter. Criteria: Ambry Variant Classification Scheme 2023. Collection method: clinical testing. Allele origin: germline.

Genome-Nilou Lab
Classification: Benign for Bohring-Opitz syndrome. Last evaluated: 2021-12-05. Review status: criteria provided, single submitter. Criteria: ACMG Guidelines, 2015. Collection method: clinical testing. Allele origin: germline. Affected: no.

GeneDx
Classification: Benign. Last evaluated: 2021-06-28. Review status: criteria provided, single submitter. Criteria: GeneDx Variant Classification Process June 2021. Collection method: clinical testing. Allele origin: germline. Affected: yes.

PreventionGenetics, part of Exact Sciences
Classification: Likely benign for ASXL1-related condition. Last evaluated: 2021-02-15. Review status: no assertion criteria provided. Collection method: clinical testing. Allele origin: germline. Not counted in ClinVar's aggregate classification.
Comment: This variant is classified as likely benign based on ACMG/AMP sequence variant interpretation guidelines (Richards et al. 2015 PMID: 25741868, with internal and published modifications).

NM_015338.6(ASXL1):c.4343A>G (p.Gln1448Arg)

Gene: ASXL1 (ASXL transcriptional regulator 1; plus strand). Cytogenetic location: 20q11.21.
Variant type: single nucleotide variant.
Coding change: c.4343A>G on transcript NM_015338.6 (MANE Select); coding-DNA position 4343, A replaced by G.
Protein change: p.Gln1448Arg; replaces glutamine 1448 with arginine.
Molecular consequence: missense variant.
Genome position (GRCh38, 1-based): chr20:32,437,055, A>G. VCF-style: chr20-32437055-A-G. GRCh37 (hg19) VCF-style: chr20-31024858-A-G.
Other names: c.4160A>G, p.Gln1387Arg (NM_001363734.1); short protein forms Q1387R, Q1448R.
Identifiers: ClinVar variation 1302809 (VCV001302809.16), dbSNP rs772452614, ClinGen allele CA9809011.